The following is an entry in ClinVar:

ClinVar aggregate classification (germline): Likely benign. Review status: criteria provided, multiple submitters, no conflicts (2 of 4 stars). 3 submissions from 3 submitters: Likely benign (2). 1 of the submissions does not count toward it. Last evaluated 2025-07-14.

Conditions:
Hereditary spastic paraplegia 28. Also called: Spastic paraplegia 28, autosomal recessive. Identifiers: Orphanet 101008, MedGen C1836295, MONDO:0012256, OMIM 609340.
DDHD1-related disorder. Also called: DDHD1-related condition.

Allele frequency attached by ClinVar (database versions not stated): TOPMed 0.00008; 1000 Genomes Project 30x 0.00016; gnomAD 0.00019; 1000 Genomes Project 0.00020; ExAC 0.00060.
gnomAD v4.1: 338 of 1,613,750 alleles (0.021%); highest among the groups gnomAD compares: Middle Eastern, 0.016%; 1 homozygote.

Submissions (3):

Labcorp Genetics (formerly Invitae), Labcorp
Classification: Likely benign for Hereditary spastic paraplegia 28. Last evaluated: 2025-07-14. Review status: criteria provided, single submitter. Criteria: Invitae Variant Classification Sherloc (09022015). Collection method: clinical testing. Allele origin: germline.

Blueprint Genetics
Classification: Likely benign. Last evaluated: 2024-11-21. Review status: criteria provided, single submitter. Criteria: ACMG Guidelines, 2015. Collection method: clinical testing. Allele origin: germline.

PreventionGenetics, part of Exact Sciences
Classification: Likely benign for DDHD1-related condition. Last evaluated: 2019-05-23. Review status: no assertion criteria provided. Collection method: clinical testing. Allele origin: germline. Not counted in ClinVar's aggregate classification.
Comment: This variant is classified as likely benign based on ACMG/AMP sequence variant interpretation guidelines (Richards et al. 2015 PMID: 25741868, with internal and published modifications).

NM_001160148.2(DDHD1):c.1527G>A (p.Glu509=)

Gene: DDHD1 (DDHD domain containing 1; minus strand). Cytogenetic location: 14q22.1.
Variant type: single nucleotide variant.
Coding change: c.1527G>A on transcript NM_001160148.2 (MANE Select); coding-DNA position 1527, G replaced by A.
Protein change: p.Glu509=; no amino-acid change (glutamic acid 509 retained).
Molecular consequence: synonymous variant.
Genome position (GRCh38, 1-based): chr14:53,063,182, C>T on the plus strand (G>A on the coding strand, the complement: DDHD1 is on the minus strand). VCF-style: chr14-53063182-C-T. GRCh37 (hg19) VCF-style: chr14-53529900-C-T.
Other names: c.1548G>A (NM_001160147.1); c.1548G>A, p.Glu516= (NM_001160147.2); c.1527G>A, p.Glu509= (NM_030637.3).
Identifiers: ClinVar variation 1985180 (VCV001985180.7), dbSNP rs201393353, ClinGen allele CA7191206.
Genomic context (GRCh38, chr14:53,063,182, plus strand): 5'-ACCCCCTTTTTCTTCAAAGTCTGGATTCCGAGAACAGAAAAGGGAATACAATCGATTCAG[C>T]TCTTGCTGAAGGCCTTTAACTAGCTGTTTGAAATAAGAAAACATTATCATATTAGACTTG-3'
Protein context (NP_001153620.1, residues 499-519): RDELVKGLQQ[Glu509=]LNRLYSLFCS